The following is an entry in ClinVar:

NM_001040108.2(MLH3):c.3477T>G (p.Asp1159Glu)

Gene: MLH3 (mutL homolog 3; minus strand). Cytogenetic location: 14q24.3.
Variant type: single nucleotide variant.
Coding change: c.3477T>G on transcript NM_001040108.2 (MANE Select); coding-DNA position 3477, T replaced by G.
Protein change: p.Asp1159Glu; replaces aspartic acid 1159 with glutamic acid.
Molecular consequence: missense variant.
Genome position (GRCh38, 1-based): chr14:75,040,004, A>C on the plus strand (T>G on the coding strand, the complement: MLH3 is on the minus strand). VCF-style: chr14-75040004-A-C. GRCh37 (hg19) VCF-style: chr14-75506707-A-C.
Other names: c.3477T>G, p.Asp1159Glu (NM_014381.3); short protein forms D1159E.
Identifiers: ClinVar variation 4844289 (VCV004844289.1).

ClinVar aggregate classification (germline): Uncertain significance (1 of 4 stars; one submission).

gnomAD v4.1: 5 of 1,573,724 alleles (0.00032%); highest among the groups gnomAD compares: Non-Finnish European, 0.00044%; no homozygotes.

Submission:

Ambry Genetics
Classification: Uncertain significance. Last evaluated: 2026-02-28. Review status: criteria provided, single submitter. Criteria: Ambry Variant Classification Scheme 2023. Collection method: clinical testing. Allele origin: germline.
Comment: The p.D1159E variant (also known as c.3477T>G), located in coding exon 4 of the MLH3 gene, results from a T to G substitution at nucleotide position 3477. The aspartic acid at codon 1159 is replaced by glutamic acid, an amino acid with highly similar properties. This amino acid position is conserved. In addition, the in silico prediction for this alteration is inconclusive. Based on the available evidence, the clinical significance of this variant remains unclear.